The following is an entry in ClinVar:

ClinVar aggregate classification (germline): Uncertain significance (1 of 4 stars; one submission).

Submission:

Labcorp Genetics (formerly Invitae), Labcorp
Classification: Uncertain significance. Last evaluated: 2021-08-26. Review status: criteria provided, single submitter. Criteria: Invitae Variant Classification Sherloc (09022015). Collection method: clinical testing. Allele origin: germline.
Comment: This sequence change replaces proline with leucine at codon 1284 of the TUBGCP6 protein (p.Pro1284Leu). The proline residue is weakly conserved and there is a moderate physicochemical difference between proline and leucine. This variant is not present in population databases (ExAC no frequency). This variant has not been reported in the literature in individuals affected with TUBGCP6-related conditions. Algorithms developed to predict the effect of missense changes on protein structure and function output the following: SIFT: "Tolerated"; PolyPhen-2: "Benign"; Align-GVGD: "Class C0". The leucine amino acid residue is found in multiple mammalian species, which suggests that this missense change does not adversely affect protein function. In summary, the available evidence is currently insufficient to determine the role of this variant in disease. Therefore, it has been classified as a Variant of Uncertain Significance.

NM_020461.4(TUBGCP6):c.3851C>T (p.Pro1284Leu)

Gene: TUBGCP6 (tubulin gamma complex component 6; minus strand). Cytogenetic location: 22q13.33.
Variant type: single nucleotide variant.
Coding change: c.3851C>T on transcript NM_020461.4 (MANE Select); coding-DNA position 3851, C replaced by T.
Protein change: p.Pro1284Leu; replaces proline 1284 with leucine.
Molecular consequence: missense variant.
Genome position (GRCh38, 1-based): chr22:50,220,508, G>A on the plus strand (C>T on the coding strand, the complement: TUBGCP6 is on the minus strand). VCF-style: chr22-50220508-G-A. GRCh37 (hg19) VCF-style: chr22-50658937-G-A.
Other names: short protein forms P1284L.
Identifiers: ClinVar variation 1045702 (VCV001045702.6), dbSNP rs2064499835, ClinGen allele CA412178250.